The following is an entry in ClinVar:

ClinVar aggregate classification (germline): Benign/Likely benign. Review status: criteria provided, multiple submitters, no conflicts (2 of 4 stars). 7 submissions from 7 submitters: Benign (1); Likely benign (5). 1 of the submissions does not count toward it. Last evaluated 2026-01-28.

Conditions:
Isolated Nonsyndromic Congenital Heart Disease.
Alagille syndrome due to a JAG1 point mutation. Also called: HEPATIC DUCTULAR HYPOPLASIA, SYNDROMATIC; JAG1-Related Alagille Syndrome; Alagille Syndrome 1. Identifiers: Orphanet 261619, Orphanet 52, MedGen C1956125, MONDO:0016862, OMIM 118450.
Cardiovascular phenotype. Identifiers: MedGen CN230736.
JAG1-related disorder. Also called: JAG1-related condition; JAG1-related disorders.

Allele frequency attached by ClinVar (database versions not stated): gnomAD 0.00013; ESP Exome Variant Server 0.00015; TOPMed 0.00017; ExAC 0.00018; 1000 Genomes Project 0.00020; gnomAD exomes 0.00025 and 0.00027; 1000 Genomes Project 30x 0.00031.
gnomAD v4.1: 416 of 1,614,198 alleles (0.026%); highest among the groups gnomAD compares: Admixed American, 0.038%; no homozygotes.

Submissions (7):

Labcorp Genetics (formerly Invitae), Labcorp
Classification: Likely benign for Alagille syndrome due to a JAG1 point mutation. Last evaluated: 2026-01-28. Review status: criteria provided, single submitter. Criteria: Invitae Variant Classification Sherloc (09022015). Collection method: clinical testing. Allele origin: germline.

CeGaT Center for Human Genetics Tuebingen
Classification: Likely benign. Last evaluated: 2025-10-01. Review status: criteria provided, single submitter. Criteria: CeGaT Center For Human Genetics Tuebingen Variant Classification Criteria Version 2. Collection method: clinical testing. Allele origin: germline. Affected: yes. Observed: 1 variant allele.
Comment: JAG1: BP4, BP7

Mayo Clinic Laboratories, Mayo Clinic
Classification: Likely benign. Last evaluated: 2025-05-01. Review status: criteria provided, single submitter. Criteria: ACMG Guidelines, 2015. Collection method: clinical testing. Allele origin: germline. Observed: 1 variant allele.
Comment: BP4, BP7, PM2_supporting

Blueprint Genetics
Classification: Likely benign. Last evaluated: 2024-11-15. Review status: criteria provided, single submitter. Criteria: ACMG Guidelines, 2015. Collection method: clinical testing. Allele origin: germline.

Ambry Genetics
Classification: Likely benign for Cardiovascular phenotype. Last evaluated: 2018-01-16. Review status: criteria provided, single submitter. Criteria: Ambry Variant Classification Scheme 2023. Collection method: clinical testing. Allele origin: germline.

Illumina Laboratory Services, Illumina
Classification: Benign for Isolated Nonsyndromic Congenital Heart Disease. Last evaluated: 2018-01-13. Review status: criteria provided, single submitter. Criteria: ICSL Variant Classification Criteria 13 December 2019. Collection method: clinical testing. Allele origin: germline.
Comment: This variant was observed in the ICSL laboratory as part of a predisposition screen in an ostensibly healthy population. It had not been previously curated by ICSL or reported in the Human Gene Mutation Database (HGMD: prior to June 1st, 2018), and was therefore a candidate for classification through an automated scoring system. Utilizing variant allele frequency, disease prevalence and penetrance estimates, and inheritance mode, an automated score was calculated to assess if this variant is too frequent to cause the disease. Based on the score and internal cut-off values, a variant classified as benign is not then subjected to further curation. The score for this variant resulted in a classification of benign for this disease.

PreventionGenetics, part of Exact Sciences
Classification: Likely benign for JAG1-related condition. Last evaluated: 2019-05-15. Review status: no assertion criteria provided. Collection method: clinical testing. Allele origin: germline. Not counted in ClinVar's aggregate classification.
Comment: This variant is classified as likely benign based on ACMG/AMP sequence variant interpretation guidelines (Richards et al. 2015 PMID: 25741868, with internal and published modifications).

NM_000214.3(JAG1):c.3555C>T (p.Pro1185=)

Gene: JAG1 (jagged canonical Notch ligand 1; minus strand). Cytogenetic location: 20p12.2.
Variant type: single nucleotide variant.
Coding change: c.3555C>T on transcript NM_000214.3 (MANE Select); coding-DNA position 3555, C replaced by T.
Protein change: p.Pro1185=; no amino-acid change (proline 1185 retained).
Molecular consequence: synonymous variant.
Genome position (GRCh38, 1-based): chr20:10,639,600, G>A on the plus strand (C>T on the coding strand, the complement: JAG1 is on the minus strand). VCF-style: chr20-10639600-G-A. GRCh37 (hg19) VCF-style: chr20-10620248-G-A.
Other names: p.Pro1185=; c.3555C>T, p.Pro1185= (LRG_1191t1).
Identifiers: ClinVar variation 337744 (VCV000337744.29), dbSNP rs142017684, ClinGen allele CA9764190.